The following is an entry in ClinVar:

NM_033026.6(PCLO):c.11890C>T (p.Arg3964Trp)

Gene: PCLO (piccolo presynaptic cytomatrix protein; minus strand). Cytogenetic location: 7q21.11.
Variant type: single nucleotide variant.
Coding change: c.11890C>T on transcript NM_033026.6 (MANE Select); coding-DNA position 11890, C replaced by T.
Protein change: p.Arg3964Trp; replaces arginine 3964 with tryptophan.
Molecular consequence: missense variant.
Genome position (GRCh38, 1-based): chr7:82,916,096, G>A on the plus strand (C>T on the coding strand, the complement: PCLO is on the minus strand). VCF-style: chr7-82916096-G-A. GRCh37 (hg19) VCF-style: chr7-82545412-G-A.
Other names: c.11890C>T (NM_033026.5); c.11890C>T, p.Arg3964Trp (NM_014510.3); short protein forms R3964W.
Identifiers: ClinVar variation 1447152 (VCV001447152.9), dbSNP rs756155327, ClinGen allele CA4319487.

ClinVar aggregate classification (germline): Uncertain significance. Review status: criteria provided, multiple submitters, no conflicts (2 of 4 stars). 2 submissions from 2 submitters: Uncertain significance (2). Last evaluated 2023-04-03.

Conditions:
Inborn genetic diseases. Identifiers: MedGen C0950123, MeSH D030342.

Allele frequency attached by ClinVar (database versions not stated): gnomAD 0.00001; gnomAD exomes 0.00001 and 0.00002; ExAC 0.00002; TOPMed 0.00002.
gnomAD v4.1: 17 of 1,613,396 alleles (0.0011%); highest among the groups gnomAD compares: South Asian, 0.0033%; no homozygotes.

Submissions (2):

Labcorp Genetics (formerly Invitae), Labcorp
Classification: Uncertain significance. Last evaluated: 2023-04-03. Review status: criteria provided, single submitter. Criteria: Invitae Variant Classification Sherloc (09022015). Collection method: clinical testing. Allele origin: germline.
Comment: This sequence change replaces arginine, which is basic and polar, with tryptophan, which is neutral and slightly polar, at codon 3964 of the PCLO protein (p.Arg3964Trp). This variant is present in population databases (rs756155327, gnomAD 0.01%). This variant has not been reported in the literature in individuals affected with PCLO-related conditions. ClinVar contains an entry for this variant (Variation ID: 1447152). Experimental studies and prediction algorithms are not available or were not evaluated, and the functional significance of this variant is currently unknown. In summary, the available evidence is currently insufficient to determine the role of this variant in disease. Therefore, it has been classified as a Variant of Uncertain Significance.

Ambry Genetics
Classification: Uncertain significance for Inborn genetic diseases. Last evaluated: 2022-08-17. Review status: criteria provided, single submitter. Criteria: Ambry Variant Classification Scheme 2023. Collection method: clinical testing. Allele origin: germline.